The following is an entry in ClinVar:

NM_001042750.2(STAG2):c.2909T>C (p.Ile970Thr)

Gene: STAG2 (STAG2 cohesin complex component; plus strand). Cytogenetic location: Xq25.
Variant type: single nucleotide variant.
Coding change: c.2909T>C on transcript NM_001042750.2 (MANE Select); coding-DNA position 2909, T replaced by C.
Protein change: p.Ile970Thr; replaces isoleucine 970 with threonine.
Molecular consequence: missense variant.
Genome position (GRCh38, 1-based): chrX:124,081,513, T>C. VCF-style: chrX-124081513-T-C. GRCh37 (hg19) VCF-style: chrX-123215363-T-C.
Other names: c.2909T>C, p.Ile970Thr (NM_001441081.1, NM_001441082.1, NM_001441083.1 and 23 more transcripts); short protein forms I970T.
Identifiers: ClinVar variation 5037408 (VCV005037408.1).

ClinVar aggregate classification (germline): Uncertain significance (1 of 4 stars; one submission).

Submission:

GeneDx
Classification: Uncertain significance. Last evaluated: 2026-04-21. Review status: criteria provided, single submitter. Criteria: GeneDx Variant Classification Process June 2021. Collection method: clinical testing. Allele origin: germline.
Comment: Not observed at significant frequency in large population cohorts (gnomAD); In silico analysis supports that this missense variant has a deleterious effect on protein structure/function; Has not been previously published as pathogenic or benign to our knowledge